The following is an entry in ClinVar:

ClinVar aggregate classification (germline): Uncertain significance. Review status: criteria provided, multiple submitters, no conflicts (2 of 4 stars). 2 submissions from 2 submitters: Uncertain significance (2). Last evaluated 2022-10-04.

Allele frequency attached by ClinVar (database versions not stated): gnomAD exomes 0.00001.
gnomAD v4.1: 3 of 1,613,494 alleles (0.00019%); highest among the groups gnomAD compares: Middle Eastern, 0.017%; no homozygotes.

Submissions (2):

GeneDx
Classification: Uncertain significance. Last evaluated: 2022-10-04. Review status: criteria provided, single submitter. Criteria: GeneDx Variant Classification Process June 2021. Collection method: clinical testing. Allele origin: germline. Affected: yes.
Comment: Not observed at significant frequency in large population cohorts (gnomAD); In silico analysis supports that this missense variant does not alter protein structure/function; Has not been previously published as pathogenic or benign to our knowledge

Women's Health and Genetics/Laboratory Corporation of America, LabCorp
Classification: Uncertain significance. Last evaluated: 2022-07-02. Review status: criteria provided, single submitter. Criteria: LabCorp Variant Classification Summary - May 2015. Collection method: clinical testing. Allele origin: germline.

NM_001378454.1(ALMS1):c.1399A>T (p.Thr467Ser)

Gene: ALMS1 (ALMS1 centrosome and basal body associated protein; plus strand). Cytogenetic location: 2p13.1.
Variant type: single nucleotide variant.
Coding change: c.1399A>T on transcript NM_001378454.1 (MANE Select); coding-DNA position 1399, A replaced by T.
Protein change: p.Thr467Ser; replaces threonine 467 with serine.
Molecular consequence: missense variant.
Genome position (GRCh38, 1-based): chr2:73,432,258, A>T. VCF-style: chr2-73432258-A-T. GRCh37 (hg19) VCF-style: chr2-73659386-A-T.
Other names: c.1402A>T, p.Thr468Ser (NM_015120.4); short protein forms T467S, T468S.
Identifiers: ClinVar variation 1704571 (VCV001704571.2), dbSNP rs1472140505, ClinGen allele CA347262590.